The following is an entry in ClinVar:

ClinVar aggregate classification (germline): Uncertain significance (1 of 4 stars; one submission).

Submission:

Greenwood Genetic Center Diagnostic Laboratories, Greenwood Genetic Center
Classification: Uncertain significance. Last evaluated: 2026-06-04. Review status: criteria provided, single submitter. Criteria: ACMG Guidelines, 2015. Collection method: clinical testing. Allele origin: germline.
Comment: BP4

NM_024678.6(NARS2):c.595-13844del

Genes: NARS2 (asparaginyl-tRNA synthetase 2, mitochondrial; minus strand), NARS2-AS1 (NARS2 antisense RNA 1; plus strand). Cytogenetic location: 11q14.1.
Variant type: Deletion.
Coding change: c.595-13844del on transcript NM_024678.6 (MANE Select); 13844 bases into the intron before coding-DNA position 595, one base deleted (A; older notation c.595-13844delA).
Molecular consequence: intron variant.
Genome position (GRCh38, 1-based): chr11:78,542,780, T deleted on the plus strand (A on the coding strand, the reverse complement: NARS2 is on the minus strand); the first of 4 consecutive T bases (chr11:78,542,780-78,542,783); deleting any one gives the same sequence. VCF-style (leftmost placement, unchanged base first): chr11-78542779-GT-G. GRCh37 (hg19) VCF-style: chr11-78253825-GT-G.
Other names: c.-87-13844del (NM_001425314.1, NM_001243251.2, NM_001425310.1 and 2 more transcripts); c.364-13844del (NM_001425308.1); c.514-13844del (NM_001425303.1, NM_001425302.1); c.594+16759del (NM_001425307.1); c.38+16759del (NM_001425311.1); c.595-13844del (NM_001425309.1, NM_001425306.1, NM_001425301.1 and 4 more transcripts).
Identifiers: ClinVar variation 4891134 (VCV004891134.1).